The following is an entry in ClinVar:

ClinVar aggregate classification (germline): Uncertain significance (1 of 4 stars; one submission).

Conditions:
Alstrom syndrome (ALMS). Identifiers: Orphanet 64, MedGen C0268425, MONDO:0008763, OMIM 203800.

Submission:

Labcorp Genetics (formerly Invitae), Labcorp
Classification: Uncertain significance for Alstrom syndrome. Last evaluated: 2022-05-13. Review status: criteria provided, single submitter. Criteria: Invitae Variant Classification Sherloc (09022015). Collection method: clinical testing. Allele origin: germline.
Comment: In summary, the available evidence is currently insufficient to determine the role of this variant in disease. Therefore, it has been classified as a Variant of Uncertain Significance. Experimental studies and prediction algorithms are not available or were not evaluated, and the functional significance of this variant is currently unknown. This variant has not been reported in the literature in individuals affected with ALMS1-related conditions. This variant is not present in population databases (gnomAD no frequency). This sequence change replaces glycine, which is neutral and non-polar, with valine, which is neutral and non-polar, at codon 2071 of the ALMS1 protein (p.Gly2071Val).

NM_001378454.1(ALMS1):c.6209G>T (p.Gly2070Val)

Gene: ALMS1 (ALMS1 centrosome and basal body associated protein; plus strand). Cytogenetic location: 2p13.1.
Variant type: single nucleotide variant.
Coding change: c.6209G>T on transcript NM_001378454.1 (MANE Select); coding-DNA position 6209, G replaced by T.
Protein change: p.Gly2070Val; replaces glycine 2070 with valine.
Molecular consequence: missense variant.
Genome position (GRCh38, 1-based): chr2:73,452,736, G>T. VCF-style: chr2-73452736-G-T. GRCh37 (hg19) VCF-style: chr2-73679863-G-T.
Other names: c.6212G>T, p.Gly2071Val (NM_015120.4); short protein forms G2071V, G2070V.
Identifiers: ClinVar variation 1994155 (VCV001994155.4), dbSNP rs2466108296, ClinGen allele CA347285303.
Genomic context (GRCh38, chr2:73,452,736, plus strand): 5'-AAACAGTAAAGCCCAATATTTTATTTCAACAGCAGTTGCCAGATAGAGATCAAAGTAAAG[G>T]TATTCTAAAGATTTCAGCTGTCCCTGAACTAACTGATGTGAATACTGGAAAACCAGTATC-3'
Protein context (NP_001365383.1, residues 2060-2080): QQLPDRDQSK[Gly2070Val]ILKISAVPEL